The following is an entry in ClinVar:

ClinVar aggregate classification (germline): Uncertain significance. Review status: criteria provided, multiple submitters, no conflicts (2 of 4 stars). 2 submissions from 2 submitters: Uncertain significance (2). Last evaluated 2025-10-22.

Conditions:
Desbuquois dysplasia 1 (DBQD1). Also called: MICROMELIC DWARFISM WITH VERTEBRAL AND METAPHYSEAL ABNORMALITIES AND ADVANCED CARPOTARSAL OSSIFICATION; DESBUQUOIS DYSPLASIA 1, KIM VARIANT. Identifiers: Orphanet 1425, MedGen C4012146, MONDO:0009629, OMIM 251450.
Inborn genetic diseases. Identifiers: MedGen C0950123, MeSH D030342.

Allele frequency attached by ClinVar (database versions not stated): gnomAD exomes 0.00002 and 0.00001; TOPMed 0.00008; 1000 Genomes Project 30x 0.00016; gnomAD 0.00013; ExAC 0.00003; 1000 Genomes Project 0.00020.
gnomAD v4.1: 32 of 1,614,196 alleles (0.002%); highest among the groups gnomAD compares: African/African-American, 0.039%; no homozygotes.

Submissions (2):

Ambry Genetics
Classification: Uncertain significance for Inborn genetic diseases. Last evaluated: 2025-10-22. Review status: criteria provided, single submitter. Criteria: Ambry Variant Classification Scheme 2023. Collection method: clinical testing. Allele origin: germline.

Labcorp Genetics (formerly Invitae), Labcorp
Classification: Uncertain significance for Desbuquois dysplasia 1. Last evaluated: 2022-04-20. Review status: criteria provided, single submitter. Criteria: Invitae Variant Classification Sherloc (09022015). Collection method: clinical testing. Allele origin: germline.
Comment: This sequence change replaces phenylalanine, which is neutral and non-polar, with isoleucine, which is neutral and non-polar, at codon 418 of the XYLT1 protein (p.Phe418Ile). This variant is present in population databases (rs574064641, gnomAD 0.04%). This variant has not been reported in the literature in individuals affected with XYLT1-related conditions. ClinVar contains an entry for this variant (Variation ID: 1059611). Algorithms developed to predict the effect of missense changes on protein structure and function are either unavailable or do not agree on the potential impact of this missense change (SIFT: "Deleterious"; PolyPhen-2: "Probably Damaging"; Align-GVGD: "Class C0"). In summary, the available evidence is currently insufficient to determine the role of this variant in disease. Therefore, it has been classified as a Variant of Uncertain Significance.

NM_022166.4(XYLT1):c.1252T>A (p.Phe418Ile)

Gene: XYLT1 (xylosyltransferase 1; minus strand). Cytogenetic location: 16p12.3.
Variant type: single nucleotide variant.
Coding change: c.1252T>A on transcript NM_022166.4 (MANE Select); coding-DNA position 1252, T replaced by A.
Protein change: p.Phe418Ile; replaces phenylalanine 418 with isoleucine.
Molecular consequence: missense variant.
Genome position (GRCh38, 1-based): chr16:17,198,249, A>T on the plus strand (T>A on the coding strand, the complement: XYLT1 is on the minus strand). VCF-style: chr16-17198249-A-T. GRCh37 (hg19) VCF-style: chr16-17292106-A-T.
Other names: c.1252T>A (NM_022166.3); short protein forms F418I.
Identifiers: ClinVar variation 1059611 (VCV001059611.7), dbSNP rs574064641, ClinGen allele CA7927984.